The following is an entry in ClinVar:

ClinVar aggregate classification (germline): Uncertain significance (1 of 4 stars; one submission).

Conditions:
Muscular dystrophy-dystroglycanopathy (congenital with brain and eye anomalies), type a, 8 (MDDGA8). Also called: WALKER-WARBURG SYNDROME OR MUSCLE-EYE-BRAIN DISEASE, GTDC2-RELATED. Identifiers: Orphanet 899, MedGen C3553813, MONDO:0013904, OMIM 614830.

Allele frequency attached by ClinVar (database versions not stated): gnomAD 0.00001; gnomAD exomes 0.00001 and 0.00003; TOPMed 0.00001; ExAC 0.00004.
gnomAD v4.1: 22 of 1,614,046 alleles (0.0014%); highest among the groups gnomAD compares: Non-Finnish European, 0.0017%; no homozygotes.

Submission:

Labcorp Genetics (formerly Invitae), Labcorp
Classification: Uncertain significance for Muscular dystrophy-dystroglycanopathy (congenital with brain and eye anomalies), type a, 8. Last evaluated: 2022-02-03. Review status: criteria provided, single submitter. Criteria: Invitae Variant Classification Sherloc (09022015). Collection method: clinical testing. Allele origin: germline.
Comment: ClinVar contains an entry for this variant (Variation ID: 540495). This sequence change replaces arginine, which is basic and polar, with histidine, which is basic and polar, at codon 111 of the POMGNT2 protein (p.Arg111His). This variant is present in population databases (rs778907895, gnomAD 0.006%). This variant has not been reported in the literature in individuals affected with POMGNT2-related conditions. Algorithms developed to predict the effect of missense changes on protein structure and function (SIFT, PolyPhen-2, Align-GVGD) all suggest that this variant is likely to be disruptive. In summary, the available evidence is currently insufficient to determine the role of this variant in disease. Therefore, it has been classified as a Variant of Uncertain Significance.

NM_032806.6(POMGNT2):c.332G>A (p.Arg111His)

Gene: POMGNT2 (protein O-linked mannose N-acetylglucosaminyltransferase 2 (beta 1,4-); minus strand). Cytogenetic location: 3p22.1.
Variant type: single nucleotide variant.
Coding change: c.332G>A on transcript NM_032806.6 (MANE Select); coding-DNA position 332, G replaced by A.
Protein change: p.Arg111His; replaces arginine 111 with histidine.
Molecular consequence: missense variant.
Genome position (GRCh38, 1-based): chr3:43,081,100, C>T on the plus strand (G>A on the coding strand, the complement: POMGNT2 is on the minus strand). VCF-style: chr3-43081100-C-T. GRCh37 (hg19) VCF-style: chr3-43122592-C-T.
Other names: short protein forms R111H.
Identifiers: ClinVar variation 540495 (VCV000540495.4), dbSNP rs778907895, ClinGen allele CA2340101.
Genomic context (GRCh38, chr3:43,081,100, plus strand): 5'-TTGAAGTACTGAGTGTTGTGGTCCTCCACGGTGGATAGGTCGAGCAGGGCTGGCTGGAAG[C>T]GCCGGGAGCCCAGGTTGGGCAGCATGACAGAGGTGTTGCCATGGAAGAAGATGAACTCCT-3'
Protein context (NP_116195.2, residues 101-121): SVMLPNLGSR[Arg111His]FQPALLDLST